The following is an entry in ClinVar:

ClinVar aggregate classification (germline): Pathogenic. Review status: criteria provided, multiple submitters, no conflicts (2 of 4 stars). 2 submissions from 2 submitters: Pathogenic (2). Last evaluated 2025-01-21.

Conditions:
Autosomal recessive nonsyndromic hearing loss 84B. Also called: Deafness, autosomal recessive 84b. Identifiers: Orphanet 90636, MedGen C3554159, MONDO:0013984, OMIM 614944.

Submissions (2):

Department of Human Genetics, Hannover Medical School
Classification: Pathogenic for Autosomal recessive nonsyndromic hearing loss 84B. Last evaluated: 2025-01-21. Review status: criteria provided, single submitter. Criteria: ACMG Guidelines, 2015. Collection method: clinical testing. Allele origin: germline. Inheritance: Autosomal recessive inheritance. Affected: yes.
Comment: ACMG: PVS1, PM2_Supporting, PM3_Supporting

Labcorp Genetics (formerly Invitae), Labcorp
Classification: Pathogenic. Last evaluated: 2024-11-18. Review status: criteria provided, single submitter. Criteria: Invitae Variant Classification Sherloc (09022015). Collection method: clinical testing. Allele origin: germline.
Comment: This sequence change creates a premature translational stop signal (p.Val459Trpfs*8) in the OTOGL gene. It is expected to result in an absent or disrupted protein product. Loss-of-function variants in OTOGL are known to be pathogenic (PMID: 23122586). This variant is not present in population databases (gnomAD no frequency). This variant has not been reported in the literature in individuals affected with OTOGL-related conditions. Algorithms developed to predict the effect of sequence changes on RNA splicing suggest that this variant may disrupt the consensus splice site. For these reasons, this variant has been classified as Pathogenic.

Literature cited by the submitters: PubMed 23122586 (cited by Labcorp Genetics (formerly Invitae), Labcorp).

NC_000012.12:g.80254523GT[4]

Gene: OTOGL (otogelin like; plus strand). Cytogenetic location: 12q21.31.
Variant type: Microsatellite.
Genome position: GRCh38 VCF-style: chr12-80254522-AGT-A. GRCh37 (hg19) VCF-style: chr12-80648302-AGT-A.
Identifiers: ClinVar variation 2877973 (VCV002877973.4), dbSNP rs2541018989, ClinGen allele CA2575235009.